The following is an entry in ClinVar:

ClinVar aggregate classification (germline): Uncertain significance (1 of 4 stars; one submission).

Conditions:
Progressive microcephaly-seizures-cortical blindness-developmental delay syndrome. Also called: Seizures, cortical blindness, and microcephaly syndrome. Identifiers: Orphanet 477814, MedGen C5567650, MONDO:0014714, OMIM 616632.
Autosomal dominant nonsyndromic hearing loss 1. Also called: KONIGSMARK SYNDROME; DEAFNESS, AUTOSOMAL DOMINANT 1, WITH OR WITHOUT THROMBOCYTOPENIA. Identifiers: Orphanet 90635, MedGen C1852282, MONDO:0007424, OMIM 124900.

gnomAD v4.1: 1 of 1,613,914 alleles (0.000062%); highest among the groups gnomAD compares: East Asian, 0.0022%; no homozygotes.

Submission:

Labcorp Genetics (formerly Invitae), Labcorp
Classification: Uncertain significance for Progressive microcephaly-seizures-cortical blindness-developmental delay syndrome; Autosomal dominant nonsyndromic hearing loss 1. Last evaluated: 2022-09-29. Review status: criteria provided, single submitter. Criteria: Invitae Variant Classification Sherloc (09022015). Collection method: clinical testing. Allele origin: germline.
Comment: Algorithms developed to predict the effect of missense changes on protein structure and function are either unavailable or do not agree on the potential impact of this missense change (SIFT: "Tolerated"; PolyPhen-2: "Not Available"; Align-GVGD: "Class C0"). In summary, the available evidence is currently insufficient to determine the role of this variant in disease. Therefore, it has been classified as a Variant of Uncertain Significance. This variant has not been reported in the literature in individuals affected with DIAPH1-related conditions. This sequence change replaces isoleucine, which is neutral and non-polar, with leucine, which is neutral and non-polar, at codon 334 of the DIAPH1 protein (p.Ile334Leu). This variant is not present in population databases (gnomAD no frequency).

NM_005219.5(DIAPH1):c.1000A>C (p.Ile334Leu)

Gene: DIAPH1 (diaphanous related formin 1; minus strand). Cytogenetic location: 5q31.3.
Variant type: single nucleotide variant.
Coding change: c.1000A>C on transcript NM_005219.5 (MANE Select); coding-DNA position 1000, A replaced by C.
Protein change: p.Ile334Leu; replaces isoleucine 334 with leucine.
Molecular consequence: missense variant.
Genome position (GRCh38, 1-based): chr5:141,578,559, T>G on the plus strand (A>C on the coding strand, the complement: DIAPH1 is on the minus strand). VCF-style: chr5-141578559-T-G. GRCh37 (hg19) VCF-style: chr5-140958126-T-G.
Other names: c.973A>C, p.Ile325Leu (NM_001079812.3); c.1000A>C, p.Ile334Leu (NM_001314007.2); short protein forms I325L, I334L.
Identifiers: ClinVar variation 1720636 (VCV001720636.6), dbSNP rs1374331735, ClinGen allele CA361532440.